The following is an entry in ClinVar:

ClinVar aggregate classification (germline): Uncertain significance (1 of 4 stars; one submission).

Submission:

Women's Health and Genetics/Laboratory Corporation of America, LabCorp
Classification: Uncertain significance. Last evaluated: 2025-07-22. Review status: criteria provided, single submitter. Criteria: LabCorp Variant Classification Summary - May 2015. Collection method: clinical testing. Allele origin: germline.
Comment: Variant summary: F9 c.784A>G (p.Ile262Val) results in a conservative amino acid change in the encoded protein sequence. Algorithms developed to predict the effect of missense changes on protein structure and function all suggest that this variant is likely to be tolerated. The variant was absent in 183461 control chromosomes. The available data on variant occurrences in the general population are insufficient to allow any conclusion about variant significance. To our knowledge, no occurrence of c.784A>G in individuals affected with Factor IX Deficiency (Hemophilia B) and no experimental evidence demonstrating its impact on protein function have been reported. Additionally, at least one variant at the Ile262 residue has been reported Likely Pathogenic in ClinVar (p.Ile262Met), suggesting that this codon is functionally important. No submitters have cited clinical-significance assessments for this variant to ClinVar. Based on the evidence outlined above, the variant was classified as uncertain significance.

NM_000133.4(F9):c.784A>G (p.Ile262Val)

Gene: F9 (coagulation factor IX; plus strand). Cytogenetic location: Xq27.1.
Variant type: single nucleotide variant.
Coding change: c.784A>G on transcript NM_000133.4 (MANE Select); coding-DNA position 784, A replaced by G.
Protein change: p.Ile262Val; replaces isoleucine 262 with valine.
Molecular consequence: missense variant.
Genome position (GRCh38, 1-based): chrX:139,560,801, A>G. VCF-style: chrX-139560801-A-G. GRCh37 (hg19) VCF-style: chrX-138642960-A-G.
Other names: c.670A>G, p.Ile224Val (NM_001313913.2); short protein forms I262V, I224V.
Identifiers: ClinVar variation 4526289 (VCV004526289.1).